The following is an entry in ClinVar:

NM_139343.3(BIN1):c.614C>T (p.Ala205Val)

Gene: BIN1 (bridging integrator 1; minus strand). Cytogenetic location: 2q14.3.
Variant type: single nucleotide variant.
Coding change: c.614C>T on transcript NM_139343.3 (MANE Select); coding-DNA position 614, C replaced by T.
Protein change: p.Ala205Val; replaces alanine 205 with valine.
Molecular consequence: missense variant.
Genome position (GRCh38, 1-based): chr2:127,064,017, G>A on the plus strand (C>T on the coding strand, the complement: BIN1 is on the minus strand). VCF-style: chr2-127064017-G-A. GRCh37 (hg19) VCF-style: chr2-127821593-G-A.
Other names: c.521C>T, p.Ala174Val (NM_001320632.2, NM_001320641.2, NM_004305.4 and 6 more transcripts); c.614C>T, p.Ala205Val (NM_001320633.2, NM_001320640.2, NM_139344.3 and 1 more transcripts); c.449C>T, p.Ala150Val (NM_001320634.1); c.533C>T, p.Ala178Val (NM_001320642.1); short protein forms A178V, A174V, A150V, A205V.
Identifiers: ClinVar variation 2136067 (VCV002136067.2), dbSNP rs2467339177, ClinGen allele CA348382242.

ClinVar aggregate classification (germline): Uncertain significance (1 of 4 stars; one submission).

Submission:

GeneDx
Classification: Uncertain significance. Last evaluated: 2026-10-01. Review status: criteria provided, single submitter. Criteria: GeneDx Variant Classification Process June 2021. Collection method: clinical testing. Allele origin: germline.
Comment: Not observed at significant frequency in large population cohorts (gnomAD); In silico analysis supports that this missense variant has a deleterious effect on protein structure/function; Has not been previously published as pathogenic or benign to our knowledge